The following is an entry in ClinVar:

NM_004104.5(FASN):c.4147A>G (p.Arg1383Gly)

Gene: FASN (fatty acid synthase; minus strand). Cytogenetic location: 17q25.3.
Variant type: single nucleotide variant.
Coding change: c.4147A>G on transcript NM_004104.5 (MANE Select); coding-DNA position 4147, A replaced by G.
Protein change: p.Arg1383Gly; replaces arginine 1383 with glycine.
Molecular consequence: missense variant.
Genome position (GRCh38, 1-based): chr17:82,085,378, T>C on the plus strand (A>G on the coding strand, the complement: FASN is on the minus strand). VCF-style: chr17-82085378-T-C. GRCh37 (hg19) VCF-style: chr17-80043254-T-C.
Other names: short protein forms R1383G.
Identifiers: ClinVar variation 2760231 (VCV002760231.3), dbSNP rs2509834586, ClinGen allele CA401548721.

ClinVar aggregate classification (germline): Uncertain significance (1 of 4 stars; one submission).

Conditions:
Epileptic encephalopathy. Identifiers: MedGen C0543888, HP:0200134.

Submission:

Labcorp Genetics (formerly Invitae), Labcorp
Classification: Uncertain significance for Epileptic encephalopathy. Last evaluated: 2023-09-12. Review status: criteria provided, single submitter. Criteria: Invitae Variant Classification Sherloc (09022015). Collection method: clinical testing. Allele origin: germline.
Comment: This sequence change replaces arginine, which is basic and polar, with glycine, which is neutral and non-polar, at codon 1383 of the FASN protein (p.Arg1383Gly). In summary, the available evidence is currently insufficient to determine the role of this variant in disease. Therefore, it has been classified as a Variant of Uncertain Significance. Algorithms developed to predict the effect of sequence changes on RNA splicing suggest that this variant may disrupt the consensus splice site. Algorithms developed to predict the effect of missense changes on protein structure and function output the following: SIFT: "Not Available"; PolyPhen-2: "Benign"; Align-GVGD: "Not Available". The glycine amino acid residue is found in multiple mammalian species, which suggests that this missense change does not adversely affect protein function. This variant has not been reported in the literature in individuals affected with FASN-related conditions. This variant is not present in population databases (gnomAD no frequency).